The following is an entry in ClinVar:

ClinVar aggregate classification (germline): Uncertain significance (1 of 4 stars; one submission).

Conditions:
MHC class II deficiency. Also called: BLS, TYPE II; Bare lymphocyte syndrome 2. Identifiers: Orphanet 572, MedGen C5447452, MONDO:0008855.

gnomAD v4.1: 1 of 1,613,338 alleles (0.000062%); highest among the groups gnomAD compares: Non-Finnish European, 0.000085%; no homozygotes.

Submission:

Labcorp Genetics (formerly Invitae), Labcorp
Classification: Uncertain significance for MHC class II deficiency. Last evaluated: 2022-06-13. Review status: criteria provided, single submitter. Criteria: Invitae Variant Classification Sherloc (09022015). Collection method: clinical testing. Allele origin: germline.
Comment: This sequence change replaces alanine, which is neutral and non-polar, with serine, which is neutral and polar, at codon 631 of the CIITA protein (p.Ala631Ser). This variant is not present in population databases (gnomAD no frequency). This variant has not been reported in the literature in individuals affected with CIITA-related conditions. Algorithms developed to predict the effect of missense changes on protein structure and function (SIFT, PolyPhen-2, Align-GVGD) all suggest that this variant is likely to be tolerated. In summary, the available evidence is currently insufficient to determine the role of this variant in disease. Therefore, it has been classified as a Variant of Uncertain Significance.

NM_000246.4(CIITA):c.1891G>T (p.Ala631Ser)

Gene: CIITA (class II major histocompatibility complex transactivator; plus strand). Cytogenetic location: 16p13.13.
Variant type: single nucleotide variant.
Coding change: c.1891G>T on transcript NM_000246.4 (MANE Select); coding-DNA position 1891, G replaced by T.
Protein change: p.Ala631Ser; replaces alanine 631 with serine.
Molecular consequence: missense variant. On other transcripts: intron variant (1).
Genome position (GRCh38, 1-based): chr16:10,907,383, G>T. VCF-style: chr16-10907383-G-T. GRCh37 (hg19) VCF-style: chr16-11001240-G-T.
Other names: c.1894G>T, p.Ala632Ser (NM_001286402.1, NM_001379332.1); c.1747G>T, p.Ala583Ser (NM_001379330.1); c.1744G>T, p.Ala582Ser (NM_001379331.1); c.1891G>T, p.Ala631Ser (NM_001379333.1); c.1822G>T, p.Ala608Ser (NM_001379334.1); c.860-1600G>T (NM_001286403.2); short protein forms A582S, A583S, A608S, A632S, A631S.
Identifiers: ClinVar variation 1374486 (VCV001374486.5), dbSNP rs776090698, ClinGen allele CA394731981.
Genomic context (GRCh38, chr16:10,907,383, plus strand): 5'-CCTACTTTGTGCCGGGCAGTGTGCCAGCTCTCAGAGGCCCTGCTGGAGCTTGGGGAGGAC[G>T]CCAAGCTGCCCTCCACGCTCACGGGACTCTATGTCGGCCTGCTGGGCCGTGCAGCCCTCG-3'
Protein context (NP_000237.2, residues 621-641): SEALLELGED[Ala631Ser]KLPSTLTGLY